The following is an entry in ClinVar:

NM_138454.2(NXNL1):c.273C>G (p.Leu91=)

Gene: NXNL1 (nucleoredoxin like 1; minus strand). Cytogenetic location: 19p13.11.
Variant type: single nucleotide variant.
Coding change: c.273C>G on transcript NM_138454.2 (MANE Select); coding-DNA position 273, C replaced by G.
Protein change: p.Leu91=; no amino-acid change (leucine 91 retained).
Molecular consequence: synonymous variant.
Genome position (GRCh38, 1-based): chr19:17,460,597, G>C on the plus strand (C>G on the coding strand, the complement: NXNL1 is on the minus strand). VCF-style: chr19-17460597-G-C. GRCh37 (hg19) VCF-style: chr19-17571406-G-C.
Identifiers: ClinVar variation 2649542 (VCV002649542.24), dbSNP rs138621059, ClinGen allele CA9294945.

ClinVar aggregate classification (germline): Likely benign (1 of 4 stars; one submission).

Allele frequency attached by ClinVar (database versions not stated): 1000 Genomes Project 30x 0.00125; 1000 Genomes Project 0.00140; TOPMed 0.00271; gnomAD 0.00292; ExAC 0.00319; ESP Exome Variant Server 0.00338; gnomAD exomes 0.00388.
gnomAD v4.1: 6,067 of 1,607,894 alleles (0.38%); highest among the groups gnomAD compares: Non-Finnish European, 0.45%; 20 homozygotes.

Submission:

CeGaT Center for Human Genetics Tuebingen
Classification: Likely benign. Last evaluated: 2024-04-01. Review status: criteria provided, single submitter. Criteria: CeGaT Center For Human Genetics Tuebingen Variant Classification Criteria Version 2. Collection method: clinical testing. Allele origin: germline. Affected: yes. Observed: 4 variant alleles.
Comment: NXNL1: BP4, BP7, BS2